The following is an entry in ClinVar:

ClinVar aggregate classification (germline): Uncertain significance. Review status: criteria provided, multiple submitters, no conflicts (2 of 4 stars). 2 submissions from 2 submitters: Uncertain significance (2). Last evaluated 2025-07-29.

Conditions:
Seizures, benign familial infantile, 3 (BFIS3). Also called: Familial neonatal seizures; CONVULSIONS, BENIGN FAMILIAL INFANTILE, 3. Identifiers: Orphanet 140927, Orphanet 306, MedGen C1843140, MONDO:0011904, OMIM 607745.
Developmental and epileptic encephalopathy, 11 (DEE11). Also called: Early infantile epileptic encephalopathy 11. Identifiers: Orphanet 1934, MedGen C3150987, MONDO:0013388, OMIM 613721.

Allele frequency attached by ClinVar (database versions not stated): gnomAD exomes below 0.00001.
gnomAD v4.1: 1 of 1,613,858 alleles (0.000062%); highest among the groups gnomAD compares: Non-Finnish European, 0.000085%; no homozygotes.

Submissions (2):

GeneDx
Classification: Uncertain significance. Last evaluated: 2025-07-29. Review status: criteria provided, single submitter. Criteria: GeneDx Variant Classification Process June 2021. Collection method: clinical testing. Allele origin: germline. Affected: yes.
Comment: Reported in an individual with a neurodevelopmental disorder in published literature; however, no additional clinical or segregation information was provided (PMID: 28191889); Not observed at significant frequency in large population cohorts (gnomAD); In silico analysis supports that this missense variant has a deleterious effect on protein structure/function; This substitution is predicted to be within the intracellular loop between the S2 and S3 transmembrane segments of the second homologous domain; This variant is associated with the following publications: (PMID: 28191889, 33004838)

Labcorp Genetics (formerly Invitae), Labcorp
Classification: Uncertain significance for Seizures, benign familial infantile, 3; Developmental and epileptic encephalopathy, 11. Last evaluated: 2020-04-24. Review status: criteria provided, single submitter. Criteria: Invitae Variant Classification Sherloc (09022015). Collection method: clinical testing. Allele origin: germline.
Comment: This variant has not been reported in the literature in individuals with SCN2A-related conditions. In summary, the available evidence is currently insufficient to determine the role of this variant in disease. Therefore, it has been classified as a Variant of Uncertain Significance. Algorithms developed to predict the effect of missense changes on protein structure and function are either unavailable or do not agree on the potential impact of this missense change (SIFT: "Deleterious"; PolyPhen-2: "Possibly Damaging"; Align-GVGD: "Class C0"). This variant is not present in population databases (ExAC no frequency). This sequence change replaces alanine with valine at codon 812 of the SCN2A protein (p.Ala812Val). The alanine residue is highly conserved and there is a small physicochemical difference between alanine and valine.

NM_001040142.2(SCN2A):c.2435C>T (p.Ala812Val)

Gene: SCN2A (sodium voltage-gated channel alpha subunit 2; plus strand). Cytogenetic location: 2q24.3.
Variant type: single nucleotide variant.
Coding change: c.2435C>T on transcript NM_001040142.2 (MANE Select); coding-DNA position 2435, C replaced by T.
Protein change: p.Ala812Val; replaces alanine 812 with valine.
Molecular consequence: missense variant.
Genome position (GRCh38, 1-based): chr2:165,342,342, C>T. VCF-style: chr2-165342342-C-T. GRCh37 (hg19) VCF-style: chr2-166198852-C-T.
Other names: c.2435C>T, p.Ala812Val (NM_001040143.2, NM_001371246.1, NM_001371247.1 and 1 more transcripts); c.2435C>T (NM_021007.2); short protein forms A812V.
Identifiers: ClinVar variation 1023552 (VCV001023552.12), dbSNP rs1699362667, ClinGen allele CA349012581.
Genomic context (GRCh38, chr2:165,342,342, plus strand): 5'-CACTTCTCATTTAGGTCTTCACAGGGATCTTCACAGCAGAAATGTTTCTCAAGATAATTG[C>T]CATGGATCCATATTATTACTTTCAAGAAGGCTGGAATATTTTTGATGGTTTTATTGTGAG-3'
Protein context (NP_001035232.1, residues 802-822): FTAEMFLKII[Ala812Val]MDPYYYFQEG